The following is an entry in ClinVar:

NM_001267550.2(TTN):c.49094A>G (p.Asn16365Ser)

Genes: TTN (titin; minus strand), TTN-AS1 (TTN antisense RNA 1; plus strand), LOC126806426 (BRD4-independent group 4 enhancer GRCh37_chr2:179478848-179480047; plus strand). Cytogenetic location: 2q31.2.
Variant type: single nucleotide variant.
Coding change: c.49094A>G on transcript NM_001267550.2 (MANE Select); coding-DNA position 49094, A replaced by G.
Protein change: p.Asn16365Ser; replaces asparagine 16365 with serine.
Molecular consequence: missense variant. On other transcripts: non-coding transcript variant (1).
Genome position (GRCh38, 1-based): chr2:178,614,303, T>C on the plus strand (A>G on the coding strand, the complement: TTN is on the minus strand). VCF-style: chr2-178614303-T-C. GRCh37 (hg19) VCF-style: chr2-179479030-T-C.
Other names: c.44171A>G, p.Asn14724Ser (NM_001256850.1); c.21899A>G, p.Asn7300Ser (NM_003319.4); c.41390A>G, p.Asn13797Ser (NM_133378.4); c.22274A>G, p.Asn7425Ser (NM_133432.3); c.22475A>G, p.Asn7492Ser (NM_133437.4); c.49094A>G (NM_001267550.1); short protein forms N13797S, N14724S, N16365S, N7300S, N7425S, N7492S.
Identifiers: ClinVar variation 1329161 (VCV001329161.4), dbSNP rs1424335711, ClinGen allele CA349606642.
Genomic context (GRCh38, chr2:178,614,303, plus strand): 5'-TTTGTGATCTTAGATCCACCATCATCGCGTGGTGGGTTCCATGTTAGAAGACATGACTCA[T>C]TGGTTACATCTGTGATGTCAAAGGCAGCTGGTGGTCCGGGTTTATCTGTGTATGGCATTA-3'
Protein context (NP_001254479.2, residues 16355-16375): PAAFDITDVT[Asn16365Ser]ESCLLTWNPP

ClinVar aggregate classification (germline): Uncertain significance. Review status: criteria provided, multiple submitters, no conflicts (2 of 4 stars). 2 submissions from 2 submitters: Uncertain significance (2). Last evaluated 2022-08-19.

Conditions:
Cardiomyopathy (CMYO). Also called: Cardiomyopathies. Identifiers: Orphanet 167848, MedGen C0878544, MONDO:0004994, HP:0001638. Inheritance: Various modes of inheritance.

Allele frequency attached by ClinVar (database versions not stated): gnomAD exomes 0.00001; TOPMed 0.00001.
gnomAD v4.1: 10 of 1,612,794 alleles (0.00062%); highest among the groups gnomAD compares: Non-Finnish European, 0.00085%; no homozygotes.

Submissions (2):

GeneDx
Classification: Uncertain significance. Last evaluated: 2022-08-19. Review status: criteria provided, single submitter. Criteria: GeneDx Variant Classification Process June 2021. Collection method: clinical testing. Allele origin: germline. Affected: yes.
Comment: Not observed at significant frequency in large population cohorts (gnomAD); Missense variant in a gene in which most reported pathogenic variants are truncating/loss of function; Has not been previously published as pathogenic or benign to our knowledge

CHEO Genetics Diagnostic Laboratory, Children's Hospital of Eastern Ontario
Classification: Uncertain significance for Cardiomyopathy. Last evaluated: 2020-01-20. Review status: criteria provided, single submitter. Criteria: ACMG Guidelines, 2015. Collection method: clinical testing. Allele origin: germline.